The following is an entry in ClinVar:

ClinVar aggregate classification (germline): Uncertain significance (1 of 4 stars; one submission).

Allele frequency attached by ClinVar (database versions not stated): TOPMed below 0.00001.
gnomAD v4.1: 4 of 1,603,114 alleles (0.00025%); highest among the groups gnomAD compares: African/African-American, 0.0027%; no homozygotes.

Submission:

GeneDx
Classification: Uncertain significance. Last evaluated: 2019-10-21. Review status: criteria provided, single submitter. Criteria: GeneDx Variant Classification Process June 2021. Collection method: clinical testing. Allele origin: germline. Affected: yes.
Comment: Not observed in large population cohorts (Lek et al., 2016); In silico analysis, which includes protein predictors and evolutionary conservation, supports that this variant does not alter protein structure/function; In silico analysis, which includes splice predictors and evolutionary conservation, suggests this variant may impact gene splicing. In the absence of RNA/functional studies, the actual effect of this sequence change is unknown; Has not been previously published as pathogenic or benign to our knowledge

NM_013275.6(ANKRD11):c.6071C>G (p.Pro2024Arg)

Gene: ANKRD11 (ankyrin repeat domain containing 11; minus strand). Cytogenetic location: 16q24.3.
Variant type: single nucleotide variant.
Coding change: c.6071C>G on transcript NM_013275.6 (MANE Select); coding-DNA position 6071, C replaced by G.
Protein change: p.Pro2024Arg; replaces proline 2024 with arginine.
Molecular consequence: missense variant.
Genome position (GRCh38, 1-based): chr16:89,280,471, G>C on the plus strand (C>G on the coding strand, the complement: ANKRD11 is on the minus strand). VCF-style: chr16-89280471-G-C. GRCh37 (hg19) VCF-style: chr16-89346879-G-C.
Other names: c.6071C>G, p.Pro2024Arg (NM_001256182.2, NM_001256183.2); short protein forms P2024R.
Identifiers: ClinVar variation 1309687 (VCV001309687.2), dbSNP rs760859183, ClinGen allele CA397152129.